The following is an entry in ClinVar:

ClinVar aggregate classification (germline): Uncertain significance (1 of 4 stars; one submission).

Allele frequency attached by ClinVar (database versions not stated): TOPMed below 0.00001.

Submission:

Labcorp Genetics (formerly Invitae), Labcorp
Classification: Uncertain significance. Last evaluated: 2022-08-05. Review status: criteria provided, single submitter. Criteria: Invitae Variant Classification Sherloc (09022015). Collection method: clinical testing. Allele origin: germline.
Comment: This sequence change replaces histidine, which is basic and polar, with glutamine, which is neutral and polar, at codon 30 of the IFT27 protein (p.His30Gln). This variant is not present in population databases (gnomAD no frequency). This variant has not been reported in the literature in individuals affected with IFT27-related conditions. Advanced modeling of protein sequence and biophysical properties (such as structural, functional, and spatial information, amino acid conservation, physicochemical variation, residue mobility, and thermodynamic stability) performed at Invitae indicates that this missense variant is expected to disrupt IFT27 protein function. In summary, the available evidence is currently insufficient to determine the role of this variant in disease. Therefore, it has been classified as a Variant of Uncertain Significance.

NM_001177701.3(IFT27):c.93T>A (p.His31Gln)

Gene: IFT27 (intraflagellar transport 27; minus strand). Cytogenetic location: 22q12.3.
Variant type: single nucleotide variant.
Coding change: c.93T>A on transcript NM_001177701.3 (MANE Select); coding-DNA position 93, T replaced by A.
Protein change: p.His31Gln; replaces histidine 31 with glutamine.
Molecular consequence: missense variant.
Genome position (GRCh38, 1-based): chr22:36,767,804, A>T on the plus strand (T>A on the coding strand, the complement: IFT27 is on the minus strand). VCF-style: chr22-36767804-A-T. GRCh37 (hg19) VCF-style: chr22-37163848-A-T.
Other names: c.93T>A, p.His31Gln (NM_001363003.2); c.90T>A, p.His30Gln (NM_006860.5); short protein forms H30Q, H31Q.
Identifiers: ClinVar variation 2073268 (VCV002073268.1), dbSNP rs1938292226, ClinGen allele CA411386439.